The following is an entry in ClinVar:

ClinVar aggregate classification (germline): Likely benign. Review status: criteria provided, multiple submitters, no conflicts (2 of 4 stars). 2 submissions from 2 submitters: Likely benign (2). Last evaluated 2025-03-16.

Conditions:
Bardet-Biedl syndrome (BBS). Identifiers: Orphanet 110, MedGen C0752166, MONDO:0015229.
BBS7-related disorder. Also called: BBS7-related condition.

Allele frequency attached by ClinVar (database versions not stated): gnomAD exomes below 0.00001; gnomAD 0.00002; TOPMed 0.00002.
gnomAD v4.1: 5 of 1,613,504 alleles (0.00031%); highest among the groups gnomAD compares: Non-Finnish European, 0.00042%; no homozygotes.

Submissions (2):

PreventionGenetics, part of Exact Sciences
Classification: Likely benign for BBS7-related condition. Last evaluated: 2025-03-16. Review status: criteria provided, single submitter. Criteria: ACMG Guidelines, 2015. Collection method: clinical testing. Allele origin: germline.
Comment: This variant is classified as likely benign based on ACMG/AMP sequence variant interpretation guidelines (Richards et al. 2015 PMID: 25741868, with internal and published modifications).

Labcorp Genetics (formerly Invitae), Labcorp
Classification: Likely benign for Bardet-Biedl syndrome. Last evaluated: 2024-04-06. Review status: criteria provided, single submitter. Criteria: Invitae Variant Classification Sherloc (09022015). Collection method: clinical testing. Allele origin: germline.

NM_176824.3(BBS7):c.546T>C (p.Tyr182=)

Gene: BBS7 (Bardet-Biedl syndrome 7; minus strand). Cytogenetic location: 4q27.
Variant type: single nucleotide variant.
Coding change: c.546T>C on transcript NM_176824.3 (MANE Select); coding-DNA position 546, T replaced by C.
Protein change: p.Tyr182=; no amino-acid change (tyrosine 182 retained).
Molecular consequence: synonymous variant.
Genome position (GRCh38, 1-based): chr4:121,855,544, A>G on the plus strand (T>C on the coding strand, the complement: BBS7 is on the minus strand). VCF-style: chr4-121855544-A-G. GRCh37 (hg19) VCF-style: chr4-122776699-A-G.
Other names: c.546T>C, p.Tyr182= (NM_018190.4); c.546T>C (NM_176824.2).
Identifiers: ClinVar variation 2839701 (VCV002839701.4), dbSNP rs915606112, ClinGen allele CA104767097.